The following is an entry in ClinVar:

NM_020461.4(TUBGCP6):c.4306G>T (p.Glu1436Ter)

Gene: TUBGCP6 (tubulin gamma complex component 6; minus strand). Cytogenetic location: 22q13.33.
Variant type: single nucleotide variant.
Coding change: c.4306G>T on transcript NM_020461.4 (MANE Select); coding-DNA position 4306, G replaced by T.
Protein change: p.Glu1436Ter; replaces glutamic acid 1436 with a stop codon.
Molecular consequence: nonsense.
Genome position (GRCh38, 1-based): chr22:50,219,653, C>A on the plus strand (G>T on the coding strand, the complement: TUBGCP6 is on the minus strand). VCF-style: chr22-50219653-C-A. GRCh37 (hg19) VCF-style: chr22-50658082-C-A.
Other names: short protein forms E1436*.
Identifiers: ClinVar variation 2813272 (VCV002813272.4), dbSNP rs145518427, ClinGen allele CA412174683.

ClinVar aggregate classification (germline): Pathogenic. Review status: criteria provided, multiple submitters, no conflicts (2 of 4 stars). 2 submissions from 2 submitters: Pathogenic (2). Last evaluated 2026-03-03.

Conditions:
Microcephaly and chorioretinopathy 1. Also called: Microcephaly and chorioretinopathy, autosomal recessive, 1. Identifiers: MedGen C3278481, MONDO:0009624, OMIM 251270.

Submissions (2):

Women's Health and Genetics/Laboratory Corporation of America, LabCorp
Classification: Pathogenic for Microcephaly and chorioretinopathy 1. Last evaluated: 2026-03-03. Review status: criteria provided, single submitter. Criteria: LabCorp Variant Classification Summary - May 2015. Collection method: clinical testing. Allele origin: germline.
Comment: Variant summary: TUBGCP6 c.4306G>T (p.Glu1436X) results in a premature termination codon, predicted to cause a truncation of the encoded protein or absence of the protein due to nonsense mediated decay, which are commonly known mechanisms for disease. Loss of function variants in this gene are known to be pathogenic. The variant was absent in 250816 control chromosomes. To our knowledge, no occurrence of c.4306G>T in individuals affected with TUBGCP6-related conditions and no experimental evidence demonstrating its impact on protein function have been reported. ClinVar contains an entry for this variant (Variation ID: 2813272). Based on the evidence outlined above, the variant was classified as pathogenic.

Labcorp Genetics (formerly Invitae), Labcorp
Classification: Pathogenic. Last evaluated: 2023-10-03. Review status: criteria provided, single submitter. Criteria: Invitae Variant Classification Sherloc (09022015). Collection method: clinical testing. Allele origin: germline.
Comment: This sequence change creates a premature translational stop signal (p.Glu1436*) in the TUBGCP6 gene. It is expected to result in an absent or disrupted protein product. Loss-of-function variants in TUBGCP6 are known to be pathogenic (PMID: 25344692). This variant is not present in population databases (gnomAD no frequency). This variant has not been reported in the literature in individuals affected with TUBGCP6-related conditions. Algorithms developed to predict the effect of sequence changes on RNA splicing suggest that this variant may disrupt the consensus splice site. For these reasons, this variant has been classified as Pathogenic.

Literature cited by the submitters: PubMed 25344692 (cited by Labcorp Genetics (formerly Invitae), Labcorp).